The following is an entry in ClinVar:

NM_133178.4(PTPRU):c.2637C>T (p.Ala879=)

Gene: PTPRU (protein tyrosine phosphatase receptor type U; plus strand). Cytogenetic location: 1p35.3.
Variant type: single nucleotide variant.
Coding change: c.2637C>T on transcript NM_133178.4 (MANE Select); coding-DNA position 2637, C replaced by T.
Protein change: p.Ala879=; no amino-acid change (alanine 879 retained).
Molecular consequence: synonymous variant.
Genome position (GRCh38, 1-based): chr1:29,304,015, C>T. VCF-style: chr1-29304015-C-T. GRCh37 (hg19) VCF-style: chr1-29630527-C-T.
Other names: c.2637C>T, p.Ala879= (NM_001195001.2, NM_133177.4); c.2667C>T, p.Ala889= (NM_005704.5).
Identifiers: ClinVar variation 2638590 (VCV002638590.24), dbSNP rs138733986, ClinGen allele CA726742.

ClinVar aggregate classification (germline): Likely benign (1 of 4 stars; one submission).

Allele frequency attached by ClinVar (database versions not stated): 1000 Genomes Project 0.00020; 1000 Genomes Project 30x 0.00031; ESP Exome Variant Server 0.00062.
gnomAD v4.1: 742 of 1,610,952 alleles (0.046%); highest among the groups gnomAD compares: Middle Eastern, 0.02%; 5 homozygotes.

Submission:

CeGaT Center for Human Genetics Tuebingen
Classification: Likely benign. Last evaluated: 2023-04-01. Review status: criteria provided, single submitter. Criteria: CeGaT Center For Human Genetics Tuebingen Variant Classification Criteria Version 2. Collection method: clinical testing. Allele origin: germline. Affected: yes. Observed: 1 variant allele.
Comment: PTPRU: BP4, BP7